The following is an entry in ClinVar:

ClinVar aggregate classification (germline): Pathogenic (1 of 4 stars; one submission).

Conditions:
Dilated cardiomyopathy 1O (CMD1O). Also called: CARDIOMYOPATHY, DILATED, WITH VENTRICULAR TACHYCARDIA. Identifiers: Orphanet 154, MedGen C1837839, MONDO:0012062, OMIM 608569.

Submission:

Labcorp Genetics (formerly Invitae), Labcorp
Classification: Pathogenic for Dilated cardiomyopathy 1O. Last evaluated: 2024-10-01. Review status: criteria provided, single submitter. Criteria: Invitae Variant Classification Sherloc (09022015). Collection method: clinical testing. Allele origin: germline.
Comment: This sequence change creates a premature translational stop signal (p.Tyr1225Leufs*16) in the ABCC9 gene. It is expected to result in an absent or disrupted protein product. Loss-of-function variants in ABCC9 are known to be pathogenic (PMID: 31575858, 38217872). This variant is present in population databases (rs769609857, gnomAD 0.007%). This variant has not been reported in the literature in individuals affected with ABCC9-related conditions. ClinVar contains an entry for this variant (Variation ID: 963311). For these reasons, this variant has been classified as Pathogenic.

Literature cited by the submitters: PubMed 31575858; PubMed 38217872.

NM_020297.4(ABCC9):c.3673dup (p.Tyr1225fs)

Genes: ABCC9 (ATP binding cassette subfamily C member 9; minus strand), KCNJ8-AS1 (KCNJ8 antisense RNA 1; plus strand). Cytogenetic location: 12p12.1.
Variant type: Duplication.
Coding change: c.3673dup on transcript NM_020297.4 (MANE Select); coding-DNA position 3673, one base duplicated (T; older notation c.3673dupT).
Protein change: p.Tyr1225fs; shifts the reading frame from tyrosine 1225.
Molecular consequence: frameshift variant.
Genome position (GRCh38, 1-based): chr12:21,818,248, A duplicated on the plus strand (T on the coding strand, the reverse complement: ABCC9 is on the minus strand); the first of 2 consecutive A bases (chr12:21,818,248-21,818,249); duplicating either gives the same sequence. VCF-style (leftmost placement, unchanged base first): chr12-21818247-T-TA. GRCh37 (hg19) VCF-style: chr12-21971181-T-TA.
Other names: c.3673dup, p.Tyr1225fs (NM_001377273.1, NM_005691.4); c.2806dup, p.Tyr936fs (NM_001377274.1); short protein forms Y1225fs, Y936fs.
Identifiers: ClinVar variation 963311 (VCV000963311.7), dbSNP rs769609857, ClinGen allele CA6481049.